The following is an entry in ClinVar:

ClinVar aggregate classification (germline): Uncertain significance (1 of 4 stars; one submission).

Conditions:
Multiple endocrine neoplasia type 4. Also called: MULTIPLE ENDOCRINE NEOPLASIA, TYPE IV. Identifiers: Orphanet 276152, MedGen C1970712, MONDO:0012552, OMIM 610755.

Submission:

Labcorp Genetics (formerly Invitae), Labcorp
Classification: Uncertain significance for Multiple endocrine neoplasia type 4. Last evaluated: 2025-05-18. Review status: criteria provided, single submitter. Criteria: Invitae Variant Classification Sherloc (09022015). Collection method: clinical testing. Allele origin: germline.
Comment: This sequence change replaces lysine, which is basic and polar, with asparagine, which is neutral and polar, at codon 134 of the CDKN1B protein (p.Lys134Asn). This variant is not present in population databases (gnomAD no frequency). This variant has not been reported in the literature in individuals affected with CDKN1B-related conditions. ClinVar contains an entry for this variant (Variation ID: 2781934). An algorithm developed to predict the effect of missense changes on protein structure and function (PolyPhen-2) suggests that this variant is likely to be disruptive. In summary, the available evidence is currently insufficient to determine the role of this variant in disease. Therefore, it has been classified as a Variant of Uncertain Significance.

NM_004064.5(CDKN1B):c.402G>C (p.Lys134Asn)

Gene: CDKN1B (cyclin dependent kinase inhibitor 1B; plus strand). Cytogenetic location: 12p13.1.
Variant type: single nucleotide variant.
Coding change: c.402G>C on transcript NM_004064.5 (MANE Select); coding-DNA position 402, G replaced by C.
Protein change: p.Lys134Asn; replaces lysine 134 with asparagine.
Molecular consequence: missense variant.
Genome position (GRCh38, 1-based): chr12:12,718,241, G>C. VCF-style: chr12-12718241-G-C. GRCh37 (hg19) VCF-style: chr12-12871175-G-C.
Other names: short protein forms K134N.
Identifiers: ClinVar variation 2781934 (VCV002781934.3), dbSNP rs2136356440, ClinGen allele CA383970621.